The following is an entry in ClinVar:

ClinVar aggregate classification (germline): Uncertain significance (1 of 4 stars; one submission).

Conditions:
CUL4B-related disorder. Also called: CUL4B-related condition.

Submission:

PreventionGenetics, part of Exact Sciences
Classification: Uncertain significance for CUL4B-related condition. Last evaluated: 2025-09-23. Review status: criteria provided, single submitter. Criteria: ACMG Guidelines, 2015. Collection method: clinical testing. Allele origin: germline.
Comment: The CUL4B c.274G>T variant is predicted to result in the amino acid substitution p.Asp92Tyr. To our knowledge, this variant has not been reported in the literature or in a large population database (gnomAD), indicating this variant is rare. At this time, the clinical significance of this variant is uncertain due to the absence of conclusive functional and genetic evidence.

NM_001079872.2(CUL4B):c.220G>T (p.Asp74Tyr)

Genes: CUL4B (cullin 4B; minus strand), LOC113845788 (Sharpr-MPRA regulatory region 11856; plus strand). Cytogenetic location: Xq24.
Variant type: single nucleotide variant.
Coding change: c.220G>T on transcript NM_001079872.2 (MANE Select); coding-DNA position 220, G replaced by T.
Protein change: p.Asp74Tyr; replaces aspartic acid 74 with tyrosine.
Molecular consequence: missense variant.
Genome position (GRCh38, 1-based): chrX:120,560,419, C>A on the plus strand (G>T on the coding strand, the complement: CUL4B is on the minus strand). VCF-style: chrX-120560419-C-A. GRCh37 (hg19) VCF-style: chrX-119694274-C-A.
Other names: c.235G>T, p.Asp79Tyr (NM_001330624.2); c.274G>T, p.Asp92Tyr (NM_003588.4); short protein forms D92Y, D79Y, D74Y.
Identifiers: ClinVar variation 4994443 (VCV004994443.1).